The following is an entry in ClinVar:

ClinVar aggregate classification (germline): Uncertain significance (1 of 4 stars; one submission).

Conditions:
Short-rib thoracic dysplasia 7 with or without polydactyly (SRTD7). Also called: Short rib polydactyly syndrome 5; SHORT-RIB THORACIC DYSPLASIA 7 WITH POLYDACTYLY. Identifiers: Orphanet 498497, Orphanet 93271, MedGen C3279792, MONDO:0013569, OMIM 614091.
Cranioectodermal dysplasia 2 (CED2). Identifiers: Orphanet 1515, MedGen C3150874, MONDO:0013323, OMIM 613610.

Allele frequency attached by ClinVar (database versions not stated): ExAC 0.00001; TOPMed 0.00001.

Submission:

Labcorp Genetics (formerly Invitae), Labcorp
Classification: Uncertain significance for Cranioectodermal dysplasia 2; Short-rib thoracic dysplasia 7 with or without polydactyly. Last evaluated: 2022-11-22. Review status: criteria provided, single submitter. Criteria: Invitae Variant Classification Sherloc (09022015). Collection method: clinical testing. Allele origin: germline.
Comment: In summary, the available evidence is currently insufficient to determine the role of this variant in disease. Therefore, it has been classified as a Variant of Uncertain Significance. Variants that disrupt the consensus splice site are a relatively common cause of aberrant splicing (PMID: 17576681, 9536098). Algorithms developed to predict the effect of sequence changes on RNA splicing suggest that this variant may disrupt the consensus splice site. This variant has not been reported in the literature in individuals affected with WDR35-related conditions. This variant is present in population databases (rs760691875, gnomAD 0.003%). This sequence change affects codon 409 of the WDR35 mRNA. It is a 'silent' change, meaning that it does not change the encoded amino acid sequence of the WDR35 protein. This variant also falls at the last nucleotide of exon 11, which is part of the consensus splice site for this exon.

Literature cited by the submitters: PubMed 17576681; PubMed 9536098.

NM_001006657.2(WDR35):c.1227G>A (p.Thr409=)

Gene: WDR35 (WD repeat domain 35; minus strand). Cytogenetic location: 2p24.1.
Variant type: single nucleotide variant.
Coding change: c.1227G>A on transcript NM_001006657.2 (MANE Plus Clinical); coding-DNA position 1227, G replaced by A.
Protein change: p.Thr409=; no amino-acid change (threonine 409 retained).
Molecular consequence: synonymous variant. On other transcripts: intron variant (1).
Genome position (GRCh38, 1-based): chr2:19,962,295, C>T on the plus strand (G>A on the coding strand, the complement: WDR35 is on the minus strand). VCF-style: chr2-19962295-C-T. GRCh37 (hg19) VCF-style: chr2-20162056-C-T.
Other names: c.1195-1681G>A (NM_020779.4).
Identifiers: ClinVar variation 2179004 (VCV002179004.4), dbSNP rs760691875, ClinGen allele CA1543307.
Genomic context (GRCh38, chr2:19,962,295, plus strand): 5'-AACCTCAAAACTCATTTTTATCCTATGATCAGCTATATAAGAGCTAATTTCATTTGTTAC[C>T]GTTGCACCAAATGTCTCCATCTCGTTCTCCTCCTTTGAAGCAATATATAAATGACAGGAG-3'
Protein context (NP_001006658.1, residues 399-419): EENEMETFGA[Thr409=]FVLVLCNSIG